The following is an entry in ClinVar:

NM_001080517.3(SETD5):c.3062C>T (p.Pro1021Leu)

Gene: SETD5 (SET domain containing 5; plus strand). Cytogenetic location: 3p25.3.
Variant type: single nucleotide variant.
Coding change: c.3062C>T on transcript NM_001080517.3 (MANE Select); coding-DNA position 3062, C replaced by T.
Protein change: p.Pro1021Leu; replaces proline 1021 with leucine.
Molecular consequence: missense variant.
Genome position (GRCh38, 1-based): chr3:9,470,796, C>T. VCF-style: chr3-9470796-C-T. GRCh37 (hg19) VCF-style: chr3-9512480-C-T.
Other names: c.2768C>T, p.Pro923Leu (NM_001292043.2, NM_001349451.2); short protein forms P1021L, P923L.
Identifiers: ClinVar variation 3317744 (VCV003317744.1).

ClinVar aggregate classification (germline): Uncertain significance (1 of 4 stars; one submission).

Conditions:
Inborn genetic diseases. Identifiers: MedGen C0950123, MeSH D030342.

Submission:

Ambry Genetics
Classification: Uncertain significance for Inborn genetic diseases. Last evaluated: 2024-04-30. Review status: criteria provided, single submitter. Criteria: Ambry Variant Classification Scheme 2023. Collection method: clinical testing. Allele origin: germline.
Comment: The c.3062C>T (p.P1021L) alteration is located in exon 19 (coding exon 17) of the SETD5 gene. This alteration results from a C to T substitution at nucleotide position 3062, causing the proline (P) at amino acid position 1021 to be replaced by a leucine (L). This variant was not reported in population-based cohorts in the Genome Aggregation Database (gnomAD). This amino acid position is highly conserved in available vertebrate species. The in silico prediction for this alteration is inconclusive. Based on insufficient or conflicting evidence, the clinical significance of this alteration remains unclear.